The following is an entry in ClinVar:

ClinVar aggregate classification (germline): Likely benign. Review status: criteria provided, multiple submitters, no conflicts (2 of 4 stars). 4 submissions from 4 submitters: Likely benign (4). Last evaluated 2024-10-27.

Conditions:
Marfan syndrome (MFS). Also called: Marfan syndrome type 1; Marfan's syndrome; MARFAN SYNDROME, TYPE I; Marfan syndrome, classic; FBN1-Related Marfan Syndrome. Identifiers: Orphanet 284963, Orphanet 558, MedGen C0024796, MONDO:0007947, OMIM 154700.
Familial thoracic aortic aneurysm and aortic dissection (TAAD). Also called: Thoracic aortic aneurysms and dissections. Identifiers: Orphanet 91387, MedGen C4707243, MONDO:0019625.

Submissions (4):

Ambry Genetics
Classification: Likely benign for Familial thoracic aortic aneurysm and aortic dissection. Last evaluated: 2024-10-27. Review status: criteria provided, single submitter. Criteria: Ambry Variant Classification Scheme 2023. Collection method: clinical testing. Allele origin: germline.

Labcorp Genetics (formerly Invitae), Labcorp
Classification: Likely benign for Marfan syndrome; Familial thoracic aortic aneurysm and aortic dissection. Last evaluated: 2024-07-11. Review status: criteria provided, single submitter. Criteria: Invitae Variant Classification Sherloc (09022015). Collection method: clinical testing. Allele origin: germline.

All of Us Research Program, National Institutes of Health
Classification: Likely benign for Marfan syndrome. Last evaluated: 2024-03-24. Review status: criteria provided, single submitter. Criteria: ACMG Guidelines, 2015. Collection method: clinical testing. Allele origin: germline. Inheritance: Autosomal dominant inheritance. Observed: 1 variant allele, 1 heterozygote.
Comment: This study involves interpretation of variants in research participants for the purpose of population health screening. Participant phenotype was not available at the time of variant classification. Additional details can be found in publication PMID: 35346344, PMCID: PMC8962531

CeGaT Center for Human Genetics Tuebingen
Classification: Likely benign. Last evaluated: 2023-10-01. Review status: criteria provided, single submitter. Criteria: CeGaT Center For Human Genetics Tuebingen Variant Classification Criteria Version 2. Collection method: clinical testing. Allele origin: germline. Affected: yes. Observed: 1 variant allele.
Comment: FBN1: PM2:Supporting, BP4, BP7

NM_000138.5(FBN1):c.645A>T (p.Arg215=)

Gene: FBN1 (fibrillin 1; minus strand). Cytogenetic location: 15q21.1.
Variant type: single nucleotide variant.
Coding change: c.645A>T on transcript NM_000138.5 (MANE Select); coding-DNA position 645, A replaced by T.
Protein change: p.Arg215=; no amino-acid change (arginine 215 retained).
Molecular consequence: synonymous variant.
Genome position (GRCh38, 1-based): chr15:48,537,702, T>A on the plus strand (A>T on the coding strand, the complement: FBN1 is on the minus strand). VCF-style: chr15-48537702-T-A. GRCh37 (hg19) VCF-style: chr15-48829899-T-A.
Other names: c.645A>T (NM_000138.4).
Identifiers: ClinVar variation 1081595 (VCV001081595.34), dbSNP rs200062771, ClinGen allele CA490090104.